The following is an entry in ClinVar:

NM_006204.4(PDE6C):c.305G>A (p.Arg102Gln)

Gene: PDE6C (phosphodiesterase 6C; plus strand). Cytogenetic location: 10q23.33.
Variant type: single nucleotide variant.
Coding change: c.305G>A on transcript NM_006204.4 (MANE Select); coding-DNA position 305, G replaced by A.
Protein change: p.Arg102Gln; replaces arginine 102 with glutamine.
Molecular consequence: missense variant.
Genome position (GRCh38, 1-based): chr10:93,613,030, G>A. VCF-style: chr10-93613030-G-A. GRCh37 (hg19) VCF-style: chr10-95372787-G-A.
Other names: short protein forms R102Q.
Identifiers: ClinVar variation 1458687 (VCV001458687.6), dbSNP rs1441591017, ClinGen allele CA377622450.
Genomic context (GRCh38, chr10:93,613,030, plus strand): 5'-GGGCCCTGCAGAGGCTGGCCCACCTGCTCCAGGCTGACCGCTGCAGCATGTTCCTGTGCC[G>A]GTCCCGGAACGGCATACCTGAGGTGGCCTCTAGGTTGCTGGATGTCACCCCCACCTCCAA-3'
Protein context (NP_006195.3, residues 92-112): QADRCSMFLC[Arg102Gln]SRNGIPEVAS

ClinVar aggregate classification (germline): Pathogenic (1 of 4 stars; one submission).

Allele frequency attached by ClinVar (database versions not stated): TOPMed 0.00002; gnomAD exomes 0.00001.
gnomAD v4.1: 16 of 1,614,146 alleles (0.00099%); highest among the groups gnomAD compares: Admixed American, 0.0017%; no homozygotes.

Submission:

Labcorp Genetics (formerly Invitae), Labcorp
Classification: Pathogenic. Last evaluated: 2025-05-27. Review status: criteria provided, single submitter. Criteria: Invitae Variant Classification Sherloc (09022015). Collection method: clinical testing. Allele origin: germline.
Comment: This sequence change replaces arginine, which is basic and polar, with glutamine, which is neutral and polar, at codon 102 of the PDE6C protein (p.Arg102Gln). This variant is not present in population databases (gnomAD no frequency). This missense change has been observed in individual(s) with achromatopsia (PMID: 32787476; internal data). In at least one individual the data is consistent with being in trans (on the opposite chromosome) from a pathogenic variant. It has also been observed to segregate with disease in related individuals. ClinVar contains an entry for this variant (Variation ID: 1458687). Invitae Evidence Modeling of protein sequence and biophysical properties (such as structural, functional, and spatial information, amino acid conservation, physicochemical variation, residue mobility, and thermodynamic stability) has been performed for this missense variant. However, the output from this modeling did not meet the statistical confidence thresholds required to predict the impact of this variant on PDE6C protein function. This variant disrupts the p.Arg102 amino acid residue in PDE6C. Other variant(s) that disrupt this residue have been observed in individuals with PDE6C-related conditions (PMID: 30080950), which suggests that this may be a clinically significant amino acid residue. For these reasons, this variant has been classified as Pathogenic.

Literature cited by the submitters: PubMed 32787476; PubMed 30080950.